The following is an entry in ClinVar:

ClinVar aggregate classification (germline): Uncertain significance (1 of 4 stars; one submission).

Submission:

GeneDx
Classification: Uncertain significance. Last evaluated: 2024-07-01. Review status: criteria provided, single submitter. Criteria: GeneDx Variant Classification Process June 2021. Collection method: clinical testing. Allele origin: germline. Affected: yes.
Comment: Not observed at significant frequency in large population cohorts (gnomAD); In silico analysis indicates that this missense variant does not alter protein structure/function; Has not been previously published as pathogenic or benign to our knowledge

NM_001128840.3(CACNA1D):c.2680G>A (p.Val894Ile)

Gene: CACNA1D (calcium voltage-gated channel subunit alpha1 D; plus strand). Cytogenetic location: 3p21.1.
Variant type: single nucleotide variant.
Coding change: c.2680G>A on transcript NM_001128840.3 (MANE Select); coding-DNA position 2680, G replaced by A.
Protein change: p.Val894Ile; replaces valine 894 with isoleucine.
Molecular consequence: missense variant.
Genome position (GRCh38, 1-based): chr3:53,735,432, G>A. VCF-style: chr3-53735432-G-A. GRCh37 (hg19) VCF-style: chr3-53769459-G-A.
Other names: c.2740G>A, p.Val914Ile (NM_000720.4); c.2680G>A, p.Val894Ile (NM_001128839.3); short protein forms V894I, V914I.
Identifiers: ClinVar variation 3393663 (VCV003393663.1).